The following is an entry in ClinVar:

ClinVar aggregate classification (germline): Uncertain significance. Review status: criteria provided, multiple submitters, no conflicts (2 of 4 stars). 2 submissions from 2 submitters: Uncertain significance (2). Last evaluated 2024-12-06.

Conditions:
Hereditary cancer-predisposing syndrome. Also called: Hereditary Cancer Syndrome; Neoplastic Syndromes, Hereditary; Tumor predisposition; Hereditary neoplastic syndrome. Identifiers: Orphanet 140162, MedGen C0027672, MeSH D009386, MONDO:0015356.
Familial cancer of breast. Also called: Hereditary breast cancer; BREAST CANCER, FAMILIAL; hereditary breast carcinoma. Identifiers: Orphanet 227535, MedGen C0346153, MONDO:0016419, OMIM 114480. Disease mechanism: loss of function.

Submissions (2):

Ambry Genetics
Classification: Uncertain significance for Hereditary cancer-predisposing syndrome. Last evaluated: 2024-12-06. Review status: criteria provided, single submitter. Criteria: Ambry Variant Classification Scheme 2023. Collection method: clinical testing. Allele origin: germline.
Comment: The p.S500C variant (also known as c.1499C>G), located in coding exon 4 of the PALB2 gene, results from a C to G substitution at nucleotide position 1499. The serine at codon 500 is replaced by cysteine, an amino acid with dissimilar properties. This amino acid position is conserved. In addition, this alteration is predicted to be tolerated by in silico analysis. Based on the available evidence, the clinical significance of this variant remains unclear.

Labcorp Genetics (formerly Invitae), Labcorp
Classification: Uncertain significance for Familial cancer of breast. Last evaluated: 2020-08-20. Review status: criteria provided, single submitter. Criteria: Invitae Variant Classification Sherloc (09022015). Collection method: clinical testing. Allele origin: germline.
Comment: This variant is not present in population databases (ExAC no frequency). In summary, the available evidence is currently insufficient to determine the role of this variant in disease. Therefore, it has been classified as a Variant of Uncertain Significance. Algorithms developed to predict the effect of missense changes on protein structure and function are either unavailable or do not agree on the potential impact of this missense change (SIFT: "Tolerated"; PolyPhen-2: "Probably Damaging"; Align-GVGD: "Class C0"). This variant has not been reported in the literature in individuals with PALB2-related conditions. This sequence change replaces serine with cysteine at codon 500 of the PALB2 protein (p.Ser500Cys). The serine residue is moderately conserved and there is a moderate physicochemical difference between serine and cysteine.

NM_024675.4(PALB2):c.1499C>G (p.Ser500Cys)

Gene: PALB2 (partner and localizer of BRCA2; minus strand). Cytogenetic location: 16p12.2.
Variant type: single nucleotide variant.
Coding change: c.1499C>G on transcript NM_024675.4 (MANE Select); coding-DNA position 1499, C replaced by G.
Protein change: p.Ser500Cys; replaces serine 500 with cysteine.
Molecular consequence: missense variant.
Genome position (GRCh38, 1-based): chr16:23,635,047, G>C on the plus strand (C>G on the coding strand, the complement: PALB2 is on the minus strand). VCF-style: chr16-23635047-G-C. GRCh37 (hg19) VCF-style: chr16-23646368-G-C.
Other names: c.1499C>G (NM_024675.3); short protein forms S500C.
Identifiers: ClinVar variation 1024049 (VCV001024049.10), dbSNP rs1966961724, ClinGen allele CA395131055.
Genomic context (GRCh38, chr16:23,635,047, plus strand): 5'-CAGGCTGATTTTCTTTTTCCTGTGTATCTTCTACCAGGTGCTTGGGCAACTGCCTTCCTA[G>C]ACAAGTCATTATCTTCAGTGGGCCCAGCGGGAGAGCTGACTTTAGTTAATGAGAGAAGTT-3'
Protein context (NP_078951.2, residues 490-510): PAGPTEDNDL[Ser500Cys]RKAVAQAPGR